The following is an entry in ClinVar:

ClinVar aggregate classification (germline): Uncertain significance. Review status: criteria provided, multiple submitters, no conflicts (2 of 4 stars). 2 submissions from 2 submitters: Uncertain significance (2). Last evaluated 2025-08-21.

Conditions:
Chédiak-Higashi syndrome (CHS). Also called: Chediak-Higashi Syndrome. Identifiers: Orphanet 167, MedGen C0007965, MONDO:0008963, OMIM 214500.
Inborn genetic diseases. Identifiers: MedGen C0950123, MeSH D030342.

gnomAD v4.1: 71 of 1,613,914 alleles (0.0044%); highest among the groups gnomAD compares: Non-Finnish European, 0.0053%; no homozygotes.

Submissions (2):

Ambry Genetics
Classification: Uncertain significance for Inborn genetic diseases. Last evaluated: 2025-08-21. Review status: criteria provided, single submitter. Criteria: Ambry Variant Classification Scheme 2023. Collection method: clinical testing. Allele origin: germline.

Labcorp Genetics (formerly Invitae), Labcorp
Classification: Uncertain significance for Chédiak-Higashi syndrome. Last evaluated: 2022-02-05. Review status: criteria provided, single submitter. Criteria: Invitae Variant Classification Sherloc (09022015). Collection method: clinical testing. Allele origin: germline.
Comment: This sequence change replaces isoleucine, which is neutral and non-polar, with serine, which is neutral and polar, at codon 970 of the LYST protein (p.Ile970Ser). This variant is present in population databases (no rsID available, gnomAD 0.004%). This variant has not been reported in the literature in individuals affected with LYST-related conditions. Algorithms developed to predict the effect of missense changes on protein structure and function are either unavailable or do not agree on the potential impact of this missense change (SIFT: "Deleterious"; PolyPhen-2: "Benign"; Align-GVGD: "Class C0"). In summary, the available evidence is currently insufficient to determine the role of this variant in disease. Therefore, it has been classified as a Variant of Uncertain Significance.

NM_000081.4(LYST):c.2909T>G (p.Ile970Ser)

Gene: LYST (lysosomal trafficking regulator; minus strand). Cytogenetic location: 1q42.3.
Variant type: single nucleotide variant.
Coding change: c.2909T>G on transcript NM_000081.4 (MANE Select); coding-DNA position 2909, T replaced by G.
Protein change: p.Ile970Ser; replaces isoleucine 970 with serine.
Molecular consequence: missense variant.
Genome position (GRCh38, 1-based): chr1:235,806,227, A>C on the plus strand (T>G on the coding strand, the complement: LYST is on the minus strand). VCF-style: chr1-235806227-A-C. GRCh37 (hg19) VCF-style: chr1-235969527-A-C.
Other names: c.2909T>G (NM_000081.2); c.2909T>G, p.Ile970Ser (NM_001301365.1); short protein forms I970S.
Identifiers: ClinVar variation 2056361 (VCV002056361.4), dbSNP rs141758032, ClinGen allele CA39616239.
Genomic context (GRCh38, chr1:235,806,227, plus strand): 5'-CATACTCGGAAACCACCAAGCCTATAAAACTGTTTCTGGAACACTGAACTCAACATGTAG[A>C]TCCAACGACACATAGACCAAATGTCTGCTGCTTGGTGCATATGTTCAGGAGAAGGCAAGA-3'
Protein context (NP_000072.2, residues 960-980): AADIWSMCRW[Ile970Ser]YMLSSVFQKQ